The following is an entry in ClinVar:

NM_058004.4(PI4KA):c.2987+8C>T

Gene: PI4KA (phosphatidylinositol 4-kinase alpha; minus strand). Cytogenetic location: 22q11.21.
Variant type: single nucleotide variant.
Coding change: c.2987+8C>T on transcript NM_058004.4 (MANE Select); 8 bases into the intron after coding-DNA position 2987, C replaced by T.
Molecular consequence: intron variant.
Genome position (GRCh38, 1-based): chr22:20,752,895, G>A on the plus strand (C>T on the coding strand, the complement: PI4KA is on the minus strand). VCF-style: chr22-20752895-G-A. GRCh37 (hg19) VCF-style: chr22-21107183-G-A.
Other names: c.2921+8C>T (NM_001362863.2); c.2987+8C>T (NM_001362862.2).
Identifiers: ClinVar variation 3056316 (VCV003056316.3), dbSNP rs77534188, ClinGen allele CA10115545.

ClinVar aggregate classification (germline): Likely benign. Review status: criteria provided, single submitter (1 of 4 stars). 2 submissions from 2 submitters: Likely benign (1). 1 of the submissions does not count toward it. Last evaluated 2024-11-28.

Conditions:
PI4KA-related disorder. Also called: PI4KA-related disorders; PI4KA-related condition. Identifiers: MedGen CN378147, MONDO:1040012.

Allele frequency attached by ClinVar (database versions not stated): 1000 Genomes Project 30x 0.02764; 1000 Genomes Project 0.02776; gnomAD 0.02950; TOPMed 0.02962; ExAC 0.03034; ESP Exome Variant Server 0.03398; gnomAD exomes 0.03630.
gnomAD v4.1: 57,547 of 1,612,974 alleles (3.6%); highest among the groups gnomAD compares: Middle Eastern, 6.1%; 1,191 homozygotes.

Submissions (2):

Blueprint Genetics
Classification: Likely benign. Last evaluated: 2024-11-28. Review status: criteria provided, single submitter. Criteria: ACMG Guidelines, 2015. Collection method: clinical testing. Allele origin: germline.

PreventionGenetics, part of Exact Sciences
Classification: Benign for PI4KA-related condition. Last evaluated: 2024-01-28. Review status: no assertion criteria provided. Collection method: clinical testing. Allele origin: germline. Not counted in ClinVar's aggregate classification.
Comment: This variant is classified as benign based on ACMG/AMP sequence variant interpretation guidelines (Richards et al. 2015 PMID: 25741868, with internal and published modifications).